The following is an entry in ClinVar:

NM_004656.4(BAP1):c.863C>G (p.Ala288Gly)

Gene: BAP1 (BRCA1 associated deubiquitinase 1; minus strand). Cytogenetic location: 3p21.1.
Variant type: single nucleotide variant.
Coding change: c.863C>G on transcript NM_004656.4 (MANE Select); coding-DNA position 863, C replaced by G.
Protein change: p.Ala288Gly; replaces alanine 288 with glycine.
Molecular consequence: missense variant.
Genome position (GRCh38, 1-based): chr3:52,405,833, G>C on the plus strand (C>G on the coding strand, the complement: BAP1 is on the minus strand). VCF-style: chr3-52405833-G-C. GRCh37 (hg19) VCF-style: chr3-52439849-G-C.
Other names: short protein forms A288G.
Identifiers: ClinVar variation 565599 (VCV000565599.9), dbSNP rs545587662, ClinGen allele CA2436982.
Genomic context (GRCh38, chr3:52,405,833, plus strand): 5'-TTGCCCTCAGAGGCTGCAGGGGCCCTGTTTGCTTCCAGCACCAGCGGGGACTTGTTGCTG[G>C]CTGACTTGGACTCCTCAGGCAGCTGTGACTCTTGAGACTTGTGGGTCTGAATCAGCTCTG-3'
Protein context (NP_004647.1, residues 278-298): ESQLPEESKS[Ala288Gly]SNKSPLVLEA

ClinVar aggregate classification (germline): Uncertain significance. Review status: criteria provided, multiple submitters, no conflicts (2 of 4 stars). 3 submissions from 3 submitters: Uncertain significance (3). Last evaluated 2024-12-16.

Conditions:
Hereditary cancer-predisposing syndrome. Also called: Hereditary neoplastic syndrome; Neoplastic Syndromes, Hereditary; Tumor predisposition; Hereditary Cancer Syndrome. Identifiers: Orphanet 140162, MedGen C0027672, MeSH D009386, MONDO:0015356.
BAP1-related tumor predisposition syndrome (TPDS1). Also called: TUMOR PREDISPOSITION SYNDROME 1; Tumor susceptibility linked to germline BAP1 mutations; BAP1 tumor predisposition syndrome; COMMON Syndrome. Identifiers: Orphanet 289539, MedGen C3280492, MONDO:0013692, OMIM 614327.

Allele frequency attached by ClinVar (database versions not stated): gnomAD exomes below 0.00001; ExAC 0.00001; gnomAD 0.00001; 1000 Genomes Project 30x 0.00016; 1000 Genomes Project 0.00020.
gnomAD v4.1: 3 of 1,614,080 alleles (0.00019%); highest among the groups gnomAD compares: South Asian, 0.0033%; no homozygotes.

Submissions (3):

Color Diagnostics, LLC DBA Color Health
Classification: Uncertain significance for Hereditary cancer-predisposing syndrome. Last evaluated: 2024-12-16. Review status: criteria provided, single submitter. Criteria: ACMG Guidelines, 2015. Collection method: clinical testing. Allele origin: germline.
Comment: This missense variant replaces alanine with glycine at codon 288 of the BAP1 protein. Computational prediction suggests that this variant may not impact protein structure and function (internally defined REVEL score threshold <= 0.5, PMID: 27666373). To our knowledge, functional studies have not been reported for this variant. This variant has not been reported in individuals affected with BAP1-related disorders in the literature. This variant has been identified in 1/251406 chromosomes in the general population by the Genome Aggregation Database (gnomAD). The available evidence is insufficient to determine the role of this variant in disease conclusively. Therefore, this variant is classified as a Variant of Uncertain Significance.

Labcorp Genetics (formerly Invitae), Labcorp
Classification: Uncertain significance for BAP1-related tumor predisposition syndrome. Last evaluated: 2024-12-04. Review status: criteria provided, single submitter. Criteria: Invitae Variant Classification Sherloc (09022015). Collection method: clinical testing. Allele origin: germline.
Comment: This sequence change replaces alanine, which is neutral and non-polar, with glycine, which is neutral and non-polar, at codon 288 of the BAP1 protein (p.Ala288Gly). This variant is present in population databases (rs545587662, gnomAD 0.003%). This variant has not been reported in the literature in individuals affected with BAP1-related conditions. ClinVar contains an entry for this variant (Variation ID: 565599). Invitae Evidence Modeling of protein sequence and biophysical properties (such as structural, functional, and spatial information, amino acid conservation, physicochemical variation, residue mobility, and thermodynamic stability) indicates that this missense variant is not expected to disrupt BAP1 protein function with a negative predictive value of 80%. In summary, the available evidence is currently insufficient to determine the role of this variant in disease. Therefore, it has been classified as a Variant of Uncertain Significance.

Ambry Genetics
Classification: Uncertain significance for Hereditary cancer-predisposing syndrome. Last evaluated: 2022-08-09. Review status: criteria provided, single submitter. Criteria: Ambry Variant Classification Scheme 2023. Collection method: clinical testing. Allele origin: germline.
Comment: The p.A288G variant (also known as c.863C>G), located in coding exon 10 of the BAP1 gene, results from a C to G substitution at nucleotide position 863. The alanine at codon 288 is replaced by glycine, an amino acid with similar properties. This amino acid position is conserved. In addition, this alteration is predicted to be tolerated by in silico analysis. Since supporting evidence is limited at this time, the clinical significance of this alteration remains unclear.